The following is an entry in ClinVar:

NM_000218.3(KCNQ1):c.713_719del (p.Met238fs)

Gene: KCNQ1 (potassium voltage-gated channel subfamily Q member 1; plus strand). Cytogenetic location: 11p15.5.
Variant type: Deletion.
Coding change: c.713_719del on transcript NM_000218.3 (MANE Select); coding-DNA positions 713 to 719, 7 bases deleted (TGCTACA; older notation c.713_719delTGCTACA).
Protein change: p.Met238fs; shifts the reading frame from methionine 238.
Molecular consequence: frameshift variant. On other transcripts: intron variant (1).
Genome position (GRCh38, 1-based): chr11:2,572,042-2,572,048, TGCTACA deleted; deleting any 7 consecutive bases within chr11:2,572,041-2,572,048 gives the same sequence; the c. name uses the placement nearest the transcript's 3' end. VCF-style (leftmost placement, unchanged base first): chr11-2572040-GATGCTAC-G. GRCh37 (hg19) VCF-style: chr11-2593270-GATGCTAC-G.
Other names: c.713_719del, p.Met238fs (NM_001406836.1); c.443_449del, p.Met148fs (NM_001406837.1); c.332_338del, p.Met111fs (NM_181798.2); c.478-11393_478-11387del (NM_001406838.1); short protein forms M238fs, M148fs, M111fs.
Identifiers: ClinVar variation 2567545 (VCV002567545.2), dbSNP rs2493671563, ClinGen allele CA2580615601.
Genomic context (GRCh38, chr11:2,572,040, plus strand): 5'-GGCTCCCTCAGCCCCACACCATCTCCTTCGCAGGGGCATCCGCTTCCTGCAGATCCTGAG[GATGCTAC>G]ACGTCGACCGCCAGGGAGGCACCTGGAGGCTCCTGGGCTCCGTGGTCTTCATCCACCGCC-3'

ClinVar aggregate classification (germline): Pathogenic (1 of 4 stars; one submission).

Conditions:
Cardiovascular phenotype. Identifiers: MedGen CN230736.

Submission:

Ambry Genetics
Classification: Pathogenic for Cardiovascular phenotype. Last evaluated: 2023-04-10. Review status: criteria provided, single submitter. Criteria: Ambry Variant Classification Scheme 2023. Collection method: clinical testing. Allele origin: germline.
Comment: The c.713_719delTGCTACA pathogenic mutation, located in coding exon 5 of the KCNQ1 gene, results from a deletion of 7 nucleotides at nucleotide positions 713 to 719, causing a translational frameshift with a predicted alternate stop codon (p.M238Tfs*23). This alteration has been observed in at least one individual with a personal and/or family history that is consistent with long QT syndrome (Ambry internal data). This variant is considered to be rare based on population cohorts in the Genome Aggregation Database (gnomAD). This alteration is expected to result in loss of function by premature protein truncation or nonsense-mediated mRNA decay. As such, this alteration is interpreted as a disease-causing mutation.